The following is an entry in ClinVar:

NM_001025603.2(RFX5):c.*283A>G

Gene: RFX5 (regulatory factor X5; minus strand). Cytogenetic location: 1q21.3.
Variant type: single nucleotide variant.
Coding change: c.*283A>G on transcript NM_001025603.2 (MANE Select); 283 bases downstream of the stop codon, A replaced by G.
Molecular consequence: 3 prime UTR variant.
Genome position (GRCh38, 1-based): chr1:151,341,903, T>C on the plus strand (A>G on the coding strand, the complement: RFX5 is on the minus strand). VCF-style: chr1-151341903-T-C. GRCh37 (hg19) VCF-style: chr1-151314379-T-C.
Other names: c.*283A>G (NM_000449.4, NM_001379412.1, NM_001379413.1 and 7 more transcripts).
Identifiers: ClinVar variation 292605 (VCV000292605.6), dbSNP rs1752387, ClinGen allele CA10607682.

ClinVar aggregate classification (germline): Benign. Review status: criteria provided, multiple submitters, no conflicts (2 of 4 stars). 2 submissions from 2 submitters: Benign (2). Last evaluated 2018-01-13.

Conditions:
MHC class II deficiency. Also called: Bare lymphocyte syndrome 2; BLS, TYPE II. Identifiers: Orphanet 572, MedGen C5447452, MONDO:0008855.

Allele frequency attached by ClinVar (database versions not stated): 1000 Genomes Project 30x 0.76718; gnomAD 0.78764 and 0.78278; gnomAD exomes 0.75577; 1000 Genomes Project 0.76438; TOPMed 0.79771.
gnomAD v4.1: 460,572 of 602,896 alleles (76%); highest among the groups gnomAD compares: Middle Eastern, 84%; 177,146 homozygotes.

Submissions (2):

Illumina Laboratory Services, Illumina
Classification: Benign for MHC class II deficiency 1. Last evaluated: 2018-01-13. Review status: criteria provided, single submitter. Criteria: ICSL Variant Classification Criteria 13 December 2019. Collection method: clinical testing. Allele origin: germline.
Comment: This variant was observed in the ICSL laboratory as part of a predisposition screen in an ostensibly healthy population. It had not been previously curated by ICSL or reported in the Human Gene Mutation Database (HGMD: prior to June 1st, 2018), and was therefore a candidate for classification through an automated scoring system. Utilizing variant allele frequency, disease prevalence and penetrance estimates, and inheritance mode, an automated score was calculated to assess if this variant is too frequent to cause the disease. Based on the score and internal cut-off values, a variant classified as benign is not then subjected to further curation. The score for this variant resulted in a classification of benign for this disease.

Breakthrough Genomics
Classification: Benign. Review status: criteria provided, single submitter. Criteria: ACMG Guidelines, 2015. Collection method: not provided. Allele origin: germline. Inheritance: Autosomal recessive inheritance. Affected: yes.